The following is an entry in ClinVar:

ClinVar aggregate classification (germline): Likely benign (1 of 4 stars; one submission).

Allele frequency attached by ClinVar (database versions not stated): ExAC 0.00002; gnomAD 0.00002; TOPMed 0.00005; gnomAD exomes 0.00012.
gnomAD v4.1: 170 of 1,614,052 alleles (0.011%); highest among the groups gnomAD compares: Non-Finnish European, 0.014%; no homozygotes.

Submission:

CeGaT Center for Human Genetics Tuebingen
Classification: Likely benign. Last evaluated: 2023-10-01. Review status: criteria provided, single submitter. Criteria: CeGaT Center For Human Genetics Tuebingen Variant Classification Criteria Version 2. Collection method: clinical testing. Allele origin: germline. Affected: yes. Observed: 1 variant allele.
Comment: TRIO: BP4, BP7

NM_007118.4(TRIO):c.2763T>C (p.Gly921=)

Gene: TRIO (trio Rho guanine nucleotide exchange factor; plus strand). Cytogenetic location: 5p15.2.
Variant type: single nucleotide variant.
Coding change: c.2763T>C on transcript NM_007118.4 (MANE Select); coding-DNA position 2763, T replaced by C.
Protein change: p.Gly921=; no amino-acid change (glycine 921 retained).
Molecular consequence: synonymous variant. On other transcripts: non-coding transcript variant (1).
Genome position (GRCh38, 1-based): chr5:14,366,868, T>C. VCF-style: chr5-14366868-T-C. GRCh37 (hg19) VCF-style: chr5-14366977-T-C.
Identifiers: ClinVar variation 2655318 (VCV002655318.24), dbSNP rs200315399, ClinGen allele CA3205999.
Genomic context (GRCh38, chr5:14,366,868, plus strand): 5'-CAGGATTCTCTGGGAAGTCCACTGCTTGGAGTTATCCTGTGTAATGTTTCAGGTGCTGGG[T>C]TGGATCCGCAACGGAGAGTCCATGTTAAATGCCGGACTTATCACAGCCAGCTCGTTACAA-3'
Protein context (NP_009049.2, residues 911-931): HLQAEVKQVL[Gly921=]WIRNGESMLN